The following is an entry in ClinVar:

NM_013275.6(ANKRD11):c.96T>G (p.Asp32Glu)

Gene: ANKRD11 (ankyrin repeat domain 11; minus strand). Cytogenetic location: 16q24.3.
Variant type: single nucleotide variant.
Coding change: c.96T>G on transcript NM_013275.6 (MANE Select); coding-DNA position 96, T replaced by G.
Protein change: p.Asp32Glu; replaces aspartic acid 32 with glutamic acid.
Molecular consequence: missense variant. On other transcripts: non-coding transcript variant (1).
Genome position (GRCh38, 1-based): chr16:89,305,336, A>C on the plus strand (T>G on the coding strand, the complement: ANKRD11 is on the minus strand). VCF-style: chr16-89305336-A-C. GRCh37 (hg19) VCF-style: chr16-89371744-A-C.
Other names: c.96T>G, p.Asp32Glu (NM_001256182.2, NM_001256183.2); short protein forms D32E.
Identifiers: ClinVar variation 3617504 (VCV003617504.2).
Genomic context (GRCh38, chr16:89,305,336, plus strand): 5'-CCTCACCTCCTTCCCGCCATCGCCACGCTCCAGTTTTGGGGTCTTGGTTAGAGAAACTTT[A>C]TCTTTATCCTAGAAAAGAAAGGGATGCTTTCAGTCGTGATGTCCAAATTACATTCTCAAG-3'
Protein context (NP_037407.4, residues 22-42): VEKQTGKKDK[Asp32Glu]KVSLTKTPKL

ClinVar aggregate classification (germline): Uncertain significance (1 of 4 stars; one submission).

Conditions:
KBG syndrome (KBGS). Also called: ANKRD11-Related KBG Syndrome. Identifiers: Orphanet 2332, MedGen C0220687, MONDO:0007846, OMIM 148050.

gnomAD v4.1: 15 of 1,613,808 alleles (0.00093%); highest among the groups gnomAD compares: Non-Finnish European, 0.0012%; no homozygotes.

Submission:

Labcorp Genetics (formerly Invitae), Labcorp
Classification: Uncertain significance for KBG syndrome. Last evaluated: 2024-04-03. Review status: criteria provided, single submitter. Criteria: Invitae Variant Classification Sherloc (09022015). Collection method: clinical testing. Allele origin: germline.
Comment: This sequence change replaces aspartic acid, which is acidic and polar, with glutamic acid, which is acidic and polar, at codon 32 of the ANKRD11 protein (p.Asp32Glu). This variant is not present in population databases (gnomAD no frequency). This variant has not been reported in the literature in individuals affected with ANKRD11-related conditions. Advanced modeling of protein sequence and biophysical properties (such as structural, functional, and spatial information, amino acid conservation, physicochemical variation, residue mobility, and thermodynamic stability) performed at Invitae indicates that this missense variant is not expected to disrupt ANKRD11 protein function with a negative predictive value of 95%. In summary, the available evidence is currently insufficient to determine the role of this variant in disease. Therefore, it has been classified as a Variant of Uncertain Significance.